The following is an entry in ClinVar:

ClinVar aggregate classification (germline): Uncertain significance (1 of 4 stars; one submission).

Submission:

Labcorp Genetics (formerly Invitae), Labcorp
Classification: Uncertain significance. Last evaluated: 2021-12-03. Review status: criteria provided, single submitter. Criteria: Invitae Variant Classification Sherloc (09022015). Collection method: clinical testing. Allele origin: germline.
Comment: This variant has not been reported in the literature in individuals affected with FAT4-related conditions. This variant is not present in population databases (gnomAD no frequency). This sequence change replaces leucine, which is neutral and non-polar, with arginine, which is basic and polar, at codon 540 of the FAT4 protein (p.Leu540Arg). Advanced modeling of protein sequence and biophysical properties (such as structural, functional, and spatial information, amino acid conservation, physicochemical variation, residue mobility, and thermodynamic stability) performed at Invitae indicates that this missense variant is expected to disrupt FAT4 protein function. In summary, the available evidence is currently insufficient to determine the role of this variant in disease. Therefore, it has been classified as a Variant of Uncertain Significance.

NM_001291303.3(FAT4):c.1619T>G (p.Leu540Arg)

Gene: FAT4 (FAT atypical cadherin 4; plus strand). Cytogenetic location: 4q28.1.
Variant type: single nucleotide variant.
Coding change: c.1619T>G on transcript NM_001291303.3 (MANE Select); coding-DNA position 1619, T replaced by G.
Protein change: p.Leu540Arg; replaces leucine 540 with arginine.
Molecular consequence: missense variant.
Genome position (GRCh38, 1-based): chr4:125,318,030, T>G. VCF-style: chr4-125318030-T-G. GRCh37 (hg19) VCF-style: chr4-126239185-T-G.
Other names: c.1619T>G, p.Leu540Arg (NM_001291285.3, NM_024582.6); short protein forms L540R.
Identifiers: ClinVar variation 1492385 (VCV001492385.6), dbSNP rs1172348894, ClinGen allele CA358118288.
Genomic context (GRCh38, chr4:125,318,030, plus strand): 5'-TGGGATGGTTCCATATCAGTGAACATAGCGGCCTCGTGACCACTGGGTCCTCTGGGGGCC[T>G]GGACCGTGAACTTGCTTCCCAGATTGTTCTGAATATAAGTGCCCGGGACCAGGGAGTTCA-3'
Protein context (NP_001278232.1, residues 530-550): GLVTTGSSGG[Leu540Arg]DRELASQIVL